The following is an entry in ClinVar:

NM_000487.6(ARSA):c.1136C>T (p.Pro379Leu)

Gene: ARSA (arylsulfatase A; minus strand). Cytogenetic location: 22q13.33.
Variant type: single nucleotide variant.
Coding change: c.1136C>T on transcript NM_000487.6 (MANE Select); coding-DNA position 1136, C replaced by T.
Protein change: p.Pro379Leu; replaces proline 379 with leucine.
Molecular consequence: missense variant.
Genome position (GRCh38, 1-based): chr22:50,625,653, G>A on the plus strand (C>T on the coding strand, the complement: ARSA is on the minus strand). VCF-style: chr22-50625653-G-A. GRCh37 (hg19) VCF-style: chr22-51064081-G-A.
Other names: P377L; NP_000478.3:p.(Pro379Leu); c.1136C>T, p.Pro379Leu (NM_001085425.3, NM_001085426.3, NM_001085427.3); c.878C>T, p.Pro293Leu (NM_001085428.3, NM_001362782.2); short protein forms P379L, P293L.
Identifiers: ClinVar variation 3083 (VCV000003083.37), dbSNP rs74315478, ClinGen allele CA115995.

ClinVar aggregate classification (germline): Pathogenic. Review status: criteria provided, multiple submitters, no conflicts (2 of 4 stars). 5 submissions from 5 submitters: Pathogenic (4). 1 of the submissions does not count toward it. Last evaluated 2026-09-17.

Conditions:
ARYLSULFATASE A PSEUDODEFICIENCY, SEVERE. Identifiers: MedGen C4017095.
Metachromatic leukodystrophy (MLD). Also called: METACHROMATIC LEUKOENCEPHALOPATHY; ARSA DEFICIENCY; CEREBROSIDE SULFATASE DEFICIENCY; SULFATIDE LIPIDOSIS; Arylsulfatase A Deficiency; Cerebral sclerosis diffuse metachromatic form. Identifiers: Orphanet 512, MedGen C0023522, MONDO:0018868, OMIM 250100.

Allele frequency attached by ClinVar (database versions not stated): TOPMed 0.00002.
gnomAD v4.1: 19 of 1,613,756 alleles (0.0012%); highest among the groups gnomAD compares: Middle Eastern, 0.033%; no homozygotes.

Submissions (5):

Laboratory of Experimental Gene Therapy of Hereditary Metabolic Diseases, Research Centre for Medical Genetics
Classification: Pathogenic for Metachromatic leukodystrophy. Last evaluated: 2026-09-17. Review status: criteria provided, single submitter. Criteria: ARSA MLD Assertion Criteria V2 2026 09 18. Collection method: clinical testing. Allele origin: germline. Inheritance: Autosomal recessive inheritance. Affected: yes. Observed: 1 variant allele, 1 compound heterozygote.
Comment: The previously reported Pathogenic classification was reviewed and retained for the accompanying study. External ClinVar record reviewed: VCV000003083.35. Observations from the present referral series were not used to establish pathogenicity.

Natera, Inc.
Classification: Pathogenic for Metachromatic leukodystrophy. Last evaluated: 2025-11-14. Review status: criteria provided, single submitter. Criteria: Natera Variant Classification Schema (03/2026). Collection method: clinical testing. Allele origin: germline.
Comment: The c.1136C>T variant in ARSA is a missense variant predicted to cause substitution of proline to leucine at amino acid 379. This variant is rare in the general population with a frequency below the threshold expected for the associated phenotype(s). This variant has been observed in one or more individuals affected with the associated recessive disease, as either homozygous or compound heterozygous with a second variant (PMID: 7749412, 19815439, 10477432, 32632536). Computational prediction algorithms indicate this variant is likely to affect gene or protein function. Given the available evidence, this variant is classified as Pathogenic.

CeGaT Center for Human Genetics Tuebingen
Classification: Pathogenic. Last evaluated: 2024-01-01. Review status: criteria provided, single submitter. Criteria: CeGaT Center For Human Genetics Tuebingen Variant Classification Criteria Version 2. Collection method: clinical testing. Allele origin: germline. Affected: yes. Observed: 2 variant alleles.
Comment: ARSA: PM3:Very Strong, PM2, PS3:Supporting

Labcorp Genetics (formerly Invitae), Labcorp
Classification: Pathogenic for Metachromatic leukodystrophy. Last evaluated: 2023-12-13. Review status: criteria provided, single submitter. Criteria: Invitae Variant Classification Sherloc (09022015). Collection method: clinical testing. Allele origin: germline.
Comment: This sequence change replaces proline, which is neutral and non-polar, with leucine, which is neutral and non-polar, at codon 379 of the ARSA protein (p.Pro379Leu). This variant is present in population databases (rs74315478, gnomAD 0.0009%). This missense change has been observed in individual(s) with late infantile metachromatic leukodystrophy, and is commonly reported in individuals of Habbanite Jewish ancestry (PMID: 7749412). It is commonly reported in individuals of Jewish ancestry (PMID: 7749412). This variant is also known as P377L. ClinVar contains an entry for this variant (Variation ID: 3083). Advanced modeling of protein sequence and biophysical properties (such as structural, functional, and spatial information, amino acid conservation, physicochemical variation, residue mobility, and thermodynamic stability) performed at Invitae indicates that this missense variant is expected to disrupt ARSA protein function with a positive predictive value of 95%. Experimental studies have shown that this missense change affects ARSA function (PMID: 7749412). For these reasons, this variant has been classified as Pathogenic.

OMIM
Classification: Pathogenic for ARYLSULFATASE A PSEUDODEFICIENCY, SEVERE. Last evaluated: 1994-01-01. Review status: no assertion criteria provided. Collection method: literature only. Allele origin: germline. Not counted in ClinVar's aggregate classification.

Literature cited by the submitters: PubMed 7749412 (cited by Natera, Inc. and Labcorp Genetics (formerly Invitae), Labcorp); PubMed 19815439 (cited by Natera, Inc.); PubMed 10477432 (cited by Natera, Inc.); PubMed 32632536 (cited by Natera, Inc.); PubMed 7858169 (cited by OMIM).